The following is an entry in ClinVar:

ClinVar aggregate classification (germline): Pathogenic/Likely pathogenic. Review status: criteria provided, multiple submitters, no conflicts (2 of 4 stars). 2 submissions from 2 submitters: Pathogenic (1); Likely pathogenic (1). Last evaluated 2025-01-09.

Conditions:
Autosomal recessive nonsyndromic hearing loss 28. Identifiers: Orphanet 90636, MedGen C1853276, MONDO:0012355, OMIM 609823.

Submissions (2):

Institute of Rare Diseases, West China Hospital, Sichuan University
Classification: Pathogenic for Autosomal recessive nonsyndromic hearing loss 28. Last evaluated: 2025-01-09. Review status: criteria provided, single submitter. Criteria: ClinGen HL ACMG Specifications v1. Collection method: research. Allele origin: germline. Affected: yes.
Comment: PVS1;PM3;PM2_Supporting

Juno Genomics, Hangzhou Juno Genomics, Inc
Classification: Likely pathogenic for Autosomal recessive nonsyndromic hearing loss 28. Review status: criteria provided, single submitter. Criteria: ACMG Guidelines, 2015. Collection method: clinical testing. Allele origin: germline.
Comment: Null variant in a gene where loss of function (LOF) is a known mechanism of disease.;Absent from controls (or at extremely low frequency if recessive) in Genome Aggregation Database.

NM_001039141.3(TRIOBP):c.4745G>A (p.Trp1582Ter)

Gene: TRIOBP (TRIO and F-actin binding protein; plus strand). Cytogenetic location: 22q13.1.
Variant type: single nucleotide variant.
Coding change: c.4745G>A on transcript NM_001039141.3 (MANE Select); coding-DNA position 4745, G replaced by A.
Protein change: p.Trp1582Ter; replaces tryptophan 1582 with a stop codon.
Molecular consequence: nonsense.
Genome position (GRCh38, 1-based): chr22:37,735,081, G>A. VCF-style: chr22-37735081-G-A. GRCh37 (hg19) VCF-style: chr22-38131088-G-A.
Other names: short protein forms W1582*.
Identifiers: ClinVar variation 3601955 (VCV003601955.3).
Genomic context (GRCh38, chr22:37,735,081, plus strand): 5'-TGCTTGGCCTTCTCCGGGCACCAGGAGAGGGGGTCTGGGCCCGTGTCCCCAGCCTGGACT[G>A]GGAGGGCCTCTTGGAGCTCCTGCAGGCCAGGCTGCCCCGCAAGGACCCAGCTGGACACAG-3'